The following is an entry in ClinVar:

NM_022124.6(CDH23):c.1342A>T (p.Ile448Phe)

Gene: CDH23 (cadherin related 23; plus strand). Cytogenetic location: 10q22.1.
Variant type: single nucleotide variant.
Coding change: c.1342A>T on transcript NM_022124.6 (MANE Select); coding-DNA position 1342, A replaced by T.
Protein change: p.Ile448Phe; replaces isoleucine 448 with phenylalanine.
Molecular consequence: missense variant.
Genome position (GRCh38, 1-based): chr10:71,646,510, A>T. VCF-style: chr10-71646510-A-T. GRCh37 (hg19) VCF-style: chr10-73406267-A-T.
Other names: c.1342A>T (NM_022124.5); c.1342A>T, p.Ile448Phe (NM_001171930.2, NM_001171931.2, NM_052836.4); short protein forms I448F.
Identifiers: ClinVar variation 991907 (VCV000991907.3), dbSNP rs760730664, ClinGen allele CA5543781.

ClinVar aggregate classification (germline): Uncertain significance. Review status: criteria provided, single submitter (1 of 4 stars). 2 submissions from 2 submitters: Uncertain significance (1). 1 of the submissions does not count toward it. Last evaluated 2022-05-13.

Conditions:
Usher syndrome type 1 (USH1). Also called: RETINITIS PIGMENTOSA AND CONGENITAL DEAFNESS. Identifiers: Orphanet 231169, Orphanet 886, MedGen C1568247, MONDO:0010168, OMIM 276900.

Allele frequency attached by ClinVar (database versions not stated): ExAC 0.00001.
gnomAD v4.1: 2 of 1,613,876 alleles (0.00012%); highest among the groups gnomAD compares: East Asian, 0.0022%; no homozygotes.

Submissions (2):

GeneDx
Classification: Uncertain significance. Last evaluated: 2022-05-13. Review status: criteria provided, single submitter. Criteria: GeneDx Variant Classification Process June 2021. Collection method: clinical testing. Allele origin: germline. Affected: yes.
Comment: Not observed at significant frequency in large population cohorts (gnomAD); In silico analysis supports that this missense variant has a deleterious effect on protein structure/function; Has not been previously published as pathogenic or benign to our knowledge

Natera, Inc.
Classification: Uncertain significance for Usher syndrome type 1. Last evaluated: 2020-04-11. Review status: no assertion criteria provided. Collection method: clinical testing. Allele origin: germline. Not counted in ClinVar's aggregate classification.